The following is an entry in ClinVar:

NM_004629.2(FANCG):c.1298G>A (p.Arg433Gln)

Gene: FANCG (FA complementation group G; minus strand). Cytogenetic location: 9p13.3.
Variant type: single nucleotide variant.
Coding change: c.1298G>A on transcript NM_004629.2 (MANE Select); coding-DNA position 1298, G replaced by A.
Protein change: p.Arg433Gln; replaces arginine 433 with glutamine.
Molecular consequence: missense variant.
Genome position (GRCh38, 1-based): chr9:35,075,600, C>T on the plus strand (G>A on the coding strand, the complement: FANCG is on the minus strand). VCF-style: chr9-35075600-C-T. GRCh37 (hg19) VCF-style: chr9-35075597-C-T.
Other names: short protein forms R433Q.
Identifiers: ClinVar variation 644471 (VCV000644471.5), dbSNP rs748738986, ClinGen allele CA5039776.

ClinVar aggregate classification (germline): Uncertain significance. Review status: criteria provided, single submitter (1 of 4 stars). 2 submissions from 2 submitters: Uncertain significance (1). 1 of the submissions does not count toward it. Last evaluated 2022-02-08.

Conditions:
Fanconi anemia (FA). Also called: Fanconi's anemia. Identifiers: Orphanet 84, MedGen C0015625, MeSH D005199, MONDO:0019391.
Fanconi anemia complementation group G. Also called: Fanconi anemia group G; FANCG-Related Fanconi Anemia. Identifiers: Orphanet 84, MedGen C3469527, MONDO:0013565, OMIM 614082.

Allele frequency attached by ClinVar (database versions not stated): TOPMed 0.00002; gnomAD 0.00003.
gnomAD v4.1: 26 of 1,614,084 alleles (0.0016%); highest among the groups gnomAD compares: Admixed American, 0.0067%; no homozygotes.

Submissions (2):

Labcorp Genetics (formerly Invitae), Labcorp
Classification: Uncertain significance for Fanconi anemia. Last evaluated: 2022-02-08. Review status: criteria provided, single submitter. Criteria: Invitae Variant Classification Sherloc (09022015). Collection method: clinical testing. Allele origin: germline.
Comment: This sequence change replaces arginine, which is basic and polar, with glutamine, which is neutral and polar, at codon 433 of the FANCG protein (p.Arg433Gln). This variant is present in population databases (rs748738986, gnomAD 0.01%). This variant has not been reported in the literature in individuals affected with FANCG-related conditions. ClinVar contains an entry for this variant (Variation ID: 644471). Algorithms developed to predict the effect of missense changes on protein structure and function output the following: SIFT: "Tolerated"; PolyPhen-2: "Benign"; Align-GVGD: "Class C0". The glutamine amino acid residue is found in multiple mammalian species, which suggests that this missense change does not adversely affect protein function. In summary, the available evidence is currently insufficient to determine the role of this variant in disease. Therefore, it has been classified as a Variant of Uncertain Significance.

Natera, Inc.
Classification: Uncertain significance for Fanconi anemia group G. Last evaluated: 2020-09-16. Review status: no assertion criteria provided. Collection method: clinical testing. Allele origin: germline. Not counted in ClinVar's aggregate classification.